The following is an entry in ClinVar:

NM_001127222.2(CACNA1A):c.6398G>A (p.Arg2133Gln)

Gene: CACNA1A (calcium voltage-gated channel subunit alpha1 A; minus strand). Cytogenetic location: 19p13.13.
Variant type: single nucleotide variant.
Coding change: c.6398G>A on transcript NM_001127222.2 (MANE Select); coding-DNA position 6398, G replaced by A.
Protein change: p.Arg2133Gln; replaces arginine 2133 with glutamine.
Molecular consequence: missense variant.
Genome position (GRCh38, 1-based): chr19:13,209,440, C>T on the plus strand (G>A on the coding strand, the complement: CACNA1A is on the minus strand). VCF-style: chr19-13209440-C-T. GRCh37 (hg19) VCF-style: chr19-13320254-C-T.
Other names: c.6416G>A, p.Arg2139Gln (NM_000068.4, NM_023035.3); c.6401G>A, p.Arg2134Gln (NM_001127221.2); c.6407G>A, p.Arg2136Gln (NM_001174080.2); c.6398G>A (NM_001127222.1); short protein forms R2134Q, R2133Q, R2136Q, R2139Q.
Identifiers: ClinVar variation 197514 (VCV000197514.20), dbSNP rs779044548, ClinGen allele CA245719.

ClinVar aggregate classification (germline): Conflicting classifications of pathogenicity. Review status: criteria provided, conflicting classifications (1 of 4 stars). 6 submissions from 6 submitters: Uncertain significance (4); Likely benign (1). 1 of the submissions does not count toward it. Last evaluated 2026-02-13.

Conditions:
Developmental and epileptic encephalopathy, 42 (DEE42A). Also called: Epileptic encephalopathy, early infantile, 42; DEVELOPMENTAL AND EPILEPTIC ENCEPHALOPATHY 42A; EPILEPTIC ENCEPHALOPATHY, EARLY INFANTILE, 42A. Identifiers: MedGen C4310716, MONDO:0014917, OMIM 617106.
Episodic ataxia type 2 (EA2). Also called: ACETAZOLAMIDE-RESPONSIVE HEREDITARY PAROXYSMAL CEREBELLAR ATAXIA; ATAXIA, EPISODIC, WITH NYSTAGMUS; ATAXIA, FAMILIAL PAROXYSMAL; CEREBELLAR ATAXIA, PAROXYSMAL, ACETAZOLAMIDE-RESPONSIVE; CEREBELLOPATHY, HEREDITARY PAROXYSMAL; EPISODIC ATAXIA, NYSTAGMUS-ASSOCIATED. Identifiers: Orphanet 97, MedGen C1720416, MONDO:0007163, OMIM 108500.
CACNA1A-related disorder. Also called: CACNA1A-related condition.
Inborn genetic diseases. Identifiers: MedGen C0950123, MeSH D030342.

Allele frequency attached by ClinVar (database versions not stated): TOPMed 0.00002; gnomAD 0.00003; gnomAD exomes 0.00006; ExAC 0.00018.
gnomAD v4.1: 18 of 1,378,828 alleles (0.0013%); highest among the groups gnomAD compares: South Asian, 0.0038%; no homozygotes.

Submissions (6):

Women's Health and Genetics/Laboratory Corporation of America, LabCorp
Classification: Uncertain significance. Last evaluated: 2026-02-13. Review status: criteria provided, single submitter. Criteria: LabCorp Variant Classification Summary - May 2015. Collection method: clinical testing. Allele origin: germline.
Comment: Variant summary: CACNA1A c.6401G>A (p.Arg2134Gln) results in a conservative amino acid change in the encoded protein sequence. Algorithms developed to predict the effect of missense changes on protein structure and function all suggest that this variant is likely to be tolerated. The variant allele was found at a frequency of 6e-05 in 66344 control chromosomes. The available data on variant occurrences in the general population are insufficient to allow any conclusion about variant significance. To our knowledge, no occurrence of c.6401G>A in individuals affected with CACNA1A-related conditions and no experimental evidence demonstrating its impact on protein function have been reported. ClinVar contains an entry for this variant (Variation ID: 197514). Based on the evidence outlined above, the variant was classified as uncertain significance.

Labcorp Genetics (formerly Invitae), Labcorp
Classification: Likely benign for Developmental and epileptic encephalopathy, 42; Episodic ataxia type 2. Last evaluated: 2025-06-04. Review status: criteria provided, single submitter. Criteria: Invitae Variant Classification Sherloc (09022015). Collection method: clinical testing. Allele origin: germline.

Ambry Genetics
Classification: Uncertain significance for Inborn genetic diseases. Last evaluated: 2024-11-13. Review status: criteria provided, single submitter. Criteria: Ambry Variant Classification Scheme 2023. Collection method: clinical testing. Allele origin: germline.

GeneDx
Classification: Uncertain significance. Last evaluated: 2021-01-04. Review status: criteria provided, single submitter. Criteria: GeneDx Variant Classification Process June 2021. Collection method: clinical testing. Allele origin: germline. Affected: yes.
Comment: In silico analysis supports that this variant does not alter protein structure/function; Has not been previously published as pathogenic or benign to our knowledge

Eurofins Ntd Llc (ga)
Classification: Uncertain significance. Last evaluated: 2014-09-10. Review status: criteria provided, single submitter. Criteria: EGL Classification Definitions 2015. Collection method: clinical testing. Allele origin: germline. Observed: 2 variant alleles, 2 heterozygotes.

PreventionGenetics, part of Exact Sciences
Classification: Uncertain significance for CACNA1A-related condition. Last evaluated: 2024-05-08. Review status: no assertion criteria provided. Collection method: clinical testing. Allele origin: germline. Not counted in ClinVar's aggregate classification.
Comment: The CACNA1A c.6398G>A variant is predicted to result in the amino acid substitution p.Arg2133Gln. To our knowledge, this variant has not been reported in the literature. This variant is reported in 0.019% of alleles in individuals of South Asian descent in gnomAD. At this time, the clinical significance of this variant is uncertain due to the absence of conclusive functional and genetic evidence.